The following is an entry in ClinVar:

ClinVar aggregate classification (germline): Conflicting classifications of pathogenicity. Review status: criteria provided, conflicting classifications (1 of 4 stars). 6 submissions from 6 submitters: Uncertain significance (2); Likely benign (2). 2 of the submissions do not count toward it. Last evaluated 2026-01-13.

Conditions:
TCIRG1-related disorder. Also called: TCIRG1-related condition.
Autosomal recessive osteopetrosis 1. Also called: TCIRG1-Related Osteopetrosis; TCIRG1-Related Autosomal Recessive Osteopetrosis; ALBERS-SCHONBERG DISEASE, AUTOSOMAL RECESSIVE. Identifiers: Orphanet 667, MedGen C1850127, MONDO:0009815, OMIM 259700.

Allele frequency attached by ClinVar (database versions not stated): TOPMed 0.00005; gnomAD exomes 0.00006 and 0.00011; gnomAD 0.00007; ExAC 0.00008; ESP Exome Variant Server 0.00023.

Submissions (6):

Labcorp Genetics (formerly Invitae), Labcorp
Classification: Likely benign. Last evaluated: 2026-01-13. Review status: criteria provided, single submitter. Criteria: Invitae Variant Classification Sherloc (09022015). Collection method: clinical testing. Allele origin: germline.

Blueprint Genetics
Classification: Likely benign. Last evaluated: 2022-08-04. Review status: criteria provided, single submitter. Criteria: ACMG Guidelines, 2015. Collection method: clinical testing. Allele origin: germline.

Illumina Laboratory Services, Illumina
Classification: Uncertain significance for Autosomal recessive osteopetrosis 1. Last evaluated: 2018-01-12. Review status: criteria provided, single submitter. Criteria: ICSL Variant Classification Criteria 13 December 2019. Collection method: clinical testing. Allele origin: germline.

Eurofins Ntd Llc (ga)
Classification: Uncertain significance. Last evaluated: 2017-01-24. Review status: criteria provided, single submitter. Criteria: EGL Classification Definitions 2015. Collection method: clinical testing. Allele origin: germline. Observed: 2 variant alleles, 2 heterozygotes.

PreventionGenetics, part of Exact Sciences
Classification: Likely benign for TCIRG1-related condition. Last evaluated: 2023-09-08. Review status: no assertion criteria provided. Collection method: clinical testing. Allele origin: germline. Not counted in ClinVar's aggregate classification.
Comment: This variant is classified as likely benign based on ACMG/AMP sequence variant interpretation guidelines (Richards et al. 2015 PMID: 25741868, with internal and published modifications).

Natera, Inc.
Classification: Uncertain significance for Infantile malignant osteopetrosis. Last evaluated: 2020-04-15. Review status: no assertion criteria provided. Collection method: clinical testing. Allele origin: germline. Not counted in ClinVar's aggregate classification.

NM_006019.4(TCIRG1):c.1195C>T (p.Leu399=)

Gene: TCIRG1 (T cell immune regulator 1, ATPase H+ transporting V0 subunit a3; plus strand). Cytogenetic location: 11q13.2.
Variant type: single nucleotide variant.
Coding change: c.1195C>T on transcript NM_006019.4 (MANE Select); coding-DNA position 1195, C replaced by T.
Protein change: p.Leu399=; no amino-acid change (leucine 399 retained).
Molecular consequence: synonymous variant.
Genome position (GRCh38, 1-based): chr11:68,047,462, C>T. VCF-style: chr11-68047462-C-T. GRCh37 (hg19) VCF-style: chr11-67814929-C-T.
Other names: c.301C>T, p.Leu101= (NM_001351059.2); c.547C>T, p.Leu183= (NM_006053.4).
Identifiers: ClinVar variation 305800 (VCV000305800.24), dbSNP rs151180675, ClinGen allele CA6147021.